The following is an entry in ClinVar:

NM_001164508.2(NEB):c.3826C>A (p.Pro1276Thr)

Gene: NEB (nebulin; minus strand). Cytogenetic location: 2q23.3.
Variant type: single nucleotide variant.
Coding change: c.3826C>A on transcript NM_001164508.2 (MANE Select); coding-DNA position 3826, C replaced by A.
Protein change: p.Pro1276Thr; replaces proline 1276 with threonine.
Molecular consequence: missense variant.
Genome position (GRCh38, 1-based): chr2:151,675,340, G>T on the plus strand (C>A on the coding strand, the complement: NEB is on the minus strand). VCF-style: chr2-151675340-G-T. GRCh37 (hg19) VCF-style: chr2-152531854-G-T.
Other names: p.Pro1276Thr; c.3826C>A, p.Pro1276Thr (NM_001164507.2, NM_001271208.2, NM_004543.5); short protein forms P1276T.
Identifiers: ClinVar variation 331514 (VCV000331514.48), dbSNP rs34234609, ClinGen allele CA1910815.

ClinVar aggregate classification (germline): Benign/Likely benign. Review status: criteria provided, multiple submitters, no conflicts (2 of 4 stars). 11 submissions from 11 submitters: Benign (1); Likely benign (9). 1 of the submissions does not count toward it. Last evaluated 2026-06-01.

Conditions:
Nemaline myopathy 2 (NEM2). Also called: Nemaline myopathy 2, autosomal recessive. Identifiers: MedGen C1850569, MONDO:0009725, OMIM 256030.

Allele frequency attached by ClinVar (database versions not stated): gnomAD exomes 0.00082; ExAC 0.00209; gnomAD 0.00305 and 0.00327; TOPMed 0.00332; ESP Exome Variant Server 0.00349; 1000 Genomes Project 30x 0.00375; 1000 Genomes Project 0.00419.
gnomAD v4.1: 1,101 of 1,594,702 alleles (0.069%); highest among the groups gnomAD compares: African/African-American, 1.1%; 2 homozygotes.

Submissions (11):

CeGaT Center for Human Genetics Tuebingen
Classification: Likely benign. Last evaluated: 2026-06-01. Review status: criteria provided, single submitter. Criteria: CeGaT Center For Human Genetics Tuebingen Variant Classification Criteria Version 2. Collection method: clinical testing. Allele origin: germline. Affected: yes. Observed: 4 variant alleles.
Comment: NEB: BP4, BS1

Labcorp Genetics (formerly Invitae), Labcorp
Classification: Benign for Nemaline myopathy 2. Last evaluated: 2026-02-01. Review status: criteria provided, single submitter. Criteria: Invitae Variant Classification Sherloc (09022015). Collection method: clinical testing. Allele origin: germline.

Genomic Medicine Center of Excellence, King Faisal Specialist Hospital and Research Centre
Classification: Likely benign. Last evaluated: 2025-08-18. Review status: criteria provided, single submitter. Criteria: ACMG Guidelines, 2015. Collection method: clinical testing. Allele origin: germline.

Mayo Clinic Laboratories, Mayo Clinic
Classification: Likely benign. Last evaluated: 2025-01-22. Review status: criteria provided, single submitter. Criteria: ACMG Guidelines, 2015. Collection method: clinical testing. Allele origin: germline. Observed: 2 variant alleles.
Comment: BS1, BP4_moderate

Blueprint Genetics
Classification: Likely benign. Last evaluated: 2024-11-14. Review status: criteria provided, single submitter. Criteria: ACMG Guidelines, 2015. Collection method: clinical testing. Allele origin: germline.

GeneDx
Classification: Likely benign. Last evaluated: 2020-03-16. Review status: criteria provided, single submitter. Criteria: GeneDx Variant Classification Process June 2021. Collection method: clinical testing. Allele origin: germline. Affected: yes.

Athena Diagnostics
Classification: Likely benign. Last evaluated: 2020-02-17. Review status: criteria provided, single submitter. Criteria: Athena Diagnostics Criteria. Collection method: clinical testing. Allele origin: unknown.

Illumina Laboratory Services, Illumina
Classification: Likely benign for Nemaline myopathy 2. Last evaluated: 2018-01-13. Review status: criteria provided, single submitter. Criteria: ICSL Variant Classification Criteria 13 December 2019. Collection method: clinical testing. Allele origin: germline.
Comment: This variant was observed in the ICSL laboratory as part of a predisposition screen in an ostensibly healthy population. It had not been previously curated by ICSL or reported in the Human Gene Mutation Database (HGMD: prior to June 1st, 2018), and was therefore a candidate for classification through an automated scoring system. Utilizing variant allele frequency, disease prevalence and penetrance estimates, and inheritance mode, an automated score was calculated to assess if this variant is too frequent to cause the disease. Based on the score and internal cut-off values, a variant classified as likely benign is not then subjected to further curation. The score for this variant resulted in a classification of likely benign for this disease.

Center for Pediatric Genomic Medicine, Children's Mercy Hospital and Clinics
Classification: Likely benign. Last evaluated: 2017-08-28. Review status: criteria provided, single submitter. Criteria: ACMG Guidelines, 2015. Collection method: clinical testing. Allele origin: germline.

Breakthrough Genomics
Classification: Likely benign. Review status: criteria provided, single submitter. Criteria: ACMG Guidelines, 2015. Collection method: not provided. Allele origin: germline. Inheritance: Autosomal recessive inheritance. Affected: yes.

Natera, Inc.
Classification: Benign for Nemaline myopathy type 2. Last evaluated: 2019-11-11. Review status: no assertion criteria provided. Collection method: clinical testing. Allele origin: germline. Not counted in ClinVar's aggregate classification.